The following is an entry in ClinVar:

ClinVar aggregate classification (germline): Uncertain significance (1 of 4 stars; one submission).

gnomAD v4.1: 2 of 1,614,098 alleles (0.00012%); highest among the groups gnomAD compares: Non-Finnish European, 0.000085%; no homozygotes.

Submission:

GeneDx
Classification: Uncertain significance. Last evaluated: 2025-01-09. Review status: criteria provided, single submitter. Criteria: GeneDx Variant Classification Process June 2021. Collection method: clinical testing. Allele origin: germline. Affected: yes.
Comment: Not observed at significant frequency in large population cohorts (gnomAD); In silico analysis supports that this missense variant has a deleterious effect on protein structure/function; Has not been previously published as pathogenic or benign to our knowledge

NM_000147.5(FUCA1):c.913G>A (p.Gly305Ser)

Gene: FUCA1 (alpha-L-fucosidase 1; minus strand). Cytogenetic location: 1p36.11.
Variant type: single nucleotide variant.
Coding change: c.913G>A on transcript NM_000147.5 (MANE Select); coding-DNA position 913, G replaced by A.
Protein change: p.Gly305Ser; replaces glycine 305 with serine.
Molecular consequence: missense variant. On other transcripts: non-coding transcript variant (4).
Genome position (GRCh38, 1-based): chr1:23,854,416, C>T on the plus strand (G>A on the coding strand, the complement: FUCA1 is on the minus strand). VCF-style: chr1-23854416-C-T. GRCh37 (hg19) VCF-style: chr1-24180906-C-T.
Other names: short protein forms G305S.
Identifiers: ClinVar variation 4057051 (VCV004057051.1).
Genomic context (GRCh38, chr1:23,854,416, plus strand): 5'-TTACCGAAATGATTTCAGATTCTTCTGTAACATCAGACAATGCCATGTCACGACGATAGC[C>T]CCAGGAAAACTTGTCAATGCTGGTGCACATCTCCCACTTGTGATCTGGCAAGCTCTGTGG-3'
Protein context (NP_000138.2, residues 295-315): MCTSIDKFSW[Gly305Ser]YRRDMALSDV